The following is an entry in ClinVar:

ClinVar aggregate classification (germline): Benign/Likely benign. Review status: criteria provided, multiple submitters, no conflicts (2 of 4 stars). 7 submissions from 7 submitters: Benign (3); Likely benign (4). Last evaluated 2026-01-10.

Conditions:
Hereditary cancer-predisposing syndrome. Also called: Hereditary neoplastic syndrome; Tumor predisposition; Neoplastic Syndromes, Hereditary; Hereditary Cancer Syndrome. Identifiers: Orphanet 140162, MedGen C0027672, MeSH D009386, MONDO:0015356.
Tuberous sclerosis syndrome (TSC). Also called: Tuberous sclerosis; Tuberous Sclerosis Complex. Identifiers: Orphanet 805, MedGen C0041341, MONDO:0001734.
Tuberous sclerosis 2 (TSC2). Identifiers: Orphanet 805, MedGen C1860707, MONDO:0013199, OMIM 613254.

Allele frequency attached by ClinVar (database versions not stated): TOPMed 0.00002.
gnomAD v4.1: 18 of 1,601,388 alleles (0.0011%); highest among the groups gnomAD compares: East Asian, 0.0022%; no homozygotes.

Submissions (7):

Labcorp Genetics (formerly Invitae), Labcorp
Classification: Benign for Tuberous sclerosis 2. Last evaluated: 2026-01-10. Review status: criteria provided, single submitter. Criteria: Invitae Variant Classification Sherloc (09022015). Collection method: clinical testing. Allele origin: germline.

Myriad Genetics, Inc.
Classification: Benign for Tuberous sclerosis 2. Last evaluated: 2025-06-03. Review status: criteria provided, single submitter. Criteria: Myriad Autosomal Dominant, Autosomal Recessive and X-Linked Classification Criteria (2023). Collection method: clinical testing. Allele origin: unknown.
Comment: This variant is considered benign. This variant is a silent/synonymous amino acid change and it is not expected to impact splicing.

All of Us Research Program, National Institutes of Health
Classification: Likely benign for Tuberous sclerosis syndrome. Last evaluated: 2023-08-15. Review status: criteria provided, single submitter. Criteria: ACMG Guidelines, 2015. Collection method: clinical testing. Allele origin: germline. Inheritance: Autosomal dominant inheritance. Observed: 4 variant alleles, 4 heterozygotes.
Comment: This study involves interpretation of variants in research participants for the purpose of population health screening. Participant phenotype was not available at the time of variant classification. Additional details can be found in publication PMID: 35346344, PMCID: PMC8962531

Color Diagnostics, LLC DBA Color Health
Classification: Likely benign for Tuberous sclerosis syndrome. Last evaluated: 2023-04-07. Review status: criteria provided, single submitter. Criteria: ACMG Guidelines, 2015. Collection method: clinical testing. Allele origin: germline.

Genome-Nilou Lab
Classification: Benign for Tuberous sclerosis 2. Last evaluated: 2021-11-07. Review status: criteria provided, single submitter. Criteria: ACMG Guidelines, 2015. Collection method: clinical testing. Allele origin: germline. Affected: no.

Ambry Genetics
Classification: Likely benign for Hereditary cancer-predisposing syndrome. Last evaluated: 2020-07-08. Review status: criteria provided, single submitter. Criteria: Ambry Variant Classification Scheme 2023. Collection method: clinical testing. Allele origin: germline.

GeneDx
Classification: Likely benign. Last evaluated: 2015-10-29. Review status: criteria provided, single submitter. Criteria: GeneDx Variant Classification (06012015). Collection method: clinical testing. Allele origin: germline. Affected: yes.
Comment: This variant is considered likely benign or benign based on one or more of the following criteria: it is a conservative change, it occurs at a poorly conserved position in the protein, it is predicted to be benign by multiple in silico algorithms, and/or has population frequency not consistent with disease.

NM_000548.5(TSC2):c.4398G>A (p.Ser1466=)

Gene: TSC2 (TSC complex subunit 2; plus strand). Cytogenetic location: 16p13.3.
Variant type: single nucleotide variant.
Coding change: c.4398G>A on transcript NM_000548.5 (MANE Select); coding-DNA position 4398, G replaced by A.
Protein change: p.Ser1466=; no amino-acid change (serine 1466 retained).
Molecular consequence: synonymous variant.
Genome position (GRCh38, 1-based): chr16:2,084,620, G>A. VCF-style: chr16-2084620-G-A. GRCh37 (hg19) VCF-style: chr16-2134621-G-A.
Other names: c.4197G>A, p.Ser1399= (NM_001077183.3); c.4329G>A, p.Ser1443= (NM_001114382.3); c.4089G>A, p.Ser1363= (NM_001318827.2); c.4053G>A, p.Ser1351= (NM_001318829.2); c.3666G>A, p.Ser1222= (NM_001318831.2); c.4230G>A, p.Ser1410= (NM_001318832.2); c.4200G>A, p.Ser1400= (NM_001363528.2); c.4266G>A, p.Ser1422= (NM_001370404.1); and 1 more.
Identifiers: ClinVar variation 381384 (VCV000381384.17), dbSNP rs376086638, ClinGen allele CA051022.